The following is an entry in ClinVar:

NM_000169.3(GLA):c.193_194delinsGC (p.Ser65Ala)

Genes: GLA (galactosidase alpha; minus strand), RPL36A-HNRNPH2 (RPL36A-HNRNPH2 readthrough; plus strand). Cytogenetic location: Xq22.1.
Variant type: Indel.
Coding change: c.193_194delinsGC on transcript NM_000169.3 (MANE Select); coding-DNA positions 193 to 194, AG replaced by GC.
Protein change: p.Ser65Ala; replaces serine 65 with alanine.
Molecular consequence: missense variant. On other transcripts: non-coding transcript variant (3), intron variant (2).
Genome position (GRCh38, 1-based): chrX:101,407,710-101,407,711, CT replaced by GC on the plus strand (AG replaced by GC on the coding strand, the reverse complement: GLA is on the minus strand). VCF-style: chrX-101407710-CT-GC. GRCh37 (hg19) VCF-style: chrX-100662698-CT-GC.
Other names: c.193_194delinsGC, p.Ser65Ala (NM_001406747.1, NM_001406748.1, NM_001406749.1); c.301-4226_301-4225delinsGC (NM_001199973.2); c.178-4226_178-4225delinsGC (NM_001199974.2); short protein forms S65A.
Identifiers: ClinVar variation 4974850 (VCV004974850.1).
Genomic context (GRCh38, chrX:101,407,710, plus strand): 5'-CCCCAAACACACCCAAACACATGGAAAAGCAAAGGGAAGGGAGTACCCAATATCTGATAC[CT>GC]GATGCAGGAATCTGGCTCTTCCTGGCAGTCAAGGTTGCACATGAAGCGCTCCCAGTGCAG-3'
Protein context (NP_000160.1, residues 55-75): DCQEEPDSCI[Ser65Ala]EKLFMEMAEL

ClinVar aggregate classification (germline): Uncertain significance (1 of 4 stars; one submission).

Conditions:
Fabry disease. Also called: Fabry's disease; ALPHA-GALACTOSIDASE A DEFICIENCY; ANDERSON-FABRY DISEASE; CERAMIDE TRIHEXOSIDASE DEFICIENCY; GLA DEFICIENCY; HEREDITARY DYSTOPIC LIPIDOSIS. Identifiers: Orphanet 324, MedGen C0002986, MONDO:0010526, OMIM 301500, HP:0001071. Disease mechanism: Fabry disease is due to inactivating mutations in the X-linked GLA gene resulting in deficiency of the enzyme Alpha Galactosidase-A., loss of function.

Submission:

Genomenon, Inc
Classification: Uncertain significance for Fabry disease. Last evaluated: 2026-09-08. Review status: criteria provided, single submitter. Criteria: Genomenon Sequence Variant Interpretation Standards - Updated. Collection method: curation. Allele origin: germline. Affected: no.
Comment: GLA p.Ser65Ala (c.193_194delinsGC) is a deletion-insertion variant that changes the amino acid at codon 65 from Serine to Alanine. This variant has been reported in the published literature (PMID:10845698). It is absent or not present at a significant frequency in gnomAD. In conclusion, we classify GLA p.Ser65Ala (c.193_194delinsGC) as a variant of uncertain significance.

Literature cited by the submitters: PubMed 10845698.